The following is an entry in ClinVar:

ClinVar aggregate classification (germline): Likely benign. Review status: criteria provided, multiple submitters, no conflicts (2 of 4 stars). 6 submissions from 6 submitters: Likely benign (5). 1 of the submissions does not count toward it. Last evaluated 2026-01-03.

Conditions:
CFTR-related disorder (CFTR-RD). Also called: CFTR-related disorders; CFTR-related condition. Identifiers: MedGen C5924204, MONDO:7770004.
Cystic fibrosis (CF). Also called: MUCOVISCIDOSIS. Identifiers: Orphanet 586, MedGen C0010674, MONDO:0009061, OMIM 219700. Disease mechanism: loss of function.

Allele frequency attached by ClinVar (database versions not stated): ExAC 0.00002; gnomAD exomes 0.00002 and 0.00003; gnomAD 0.00001; TOPMed 0.00001.

Submissions (6):

Labcorp Genetics (formerly Invitae), Labcorp
Classification: Likely benign for Cystic fibrosis. Last evaluated: 2026-01-03. Review status: criteria provided, single submitter. Criteria: Invitae Variant Classification Sherloc (09022015). Collection method: clinical testing. Allele origin: germline.

ARUP Laboratories, Molecular Genetics and Genomics, ARUP Laboratories
Classification: Likely benign. Last evaluated: 2025-07-14. Review status: criteria provided, single submitter. Criteria: ARUP Molecular Germline Variant Investigation Process 2024. Collection method: clinical testing. Allele origin: germline.

CeGaT Center for Human Genetics Tuebingen
Classification: Likely benign. Last evaluated: 2025-06-01. Review status: criteria provided, single submitter. Criteria: CeGaT Center For Human Genetics Tuebingen Variant Classification Criteria Version 2. Collection method: clinical testing. Allele origin: germline. Affected: yes. Observed: 1 variant allele.
Comment: CFTR: BP4, BP7

Women's Health and Genetics/Laboratory Corporation of America, LabCorp
Classification: Likely benign. Last evaluated: 2024-01-17. Review status: criteria provided, single submitter. Criteria: LabCorp Variant Classification Summary - May 2015. Collection method: clinical testing. Allele origin: germline.

Ambry Genetics
Classification: Likely benign for Cystic fibrosis. Last evaluated: 2018-04-10. Review status: criteria provided, single submitter. Criteria: Ambry Variant Classification Scheme 2023. Collection method: clinical testing. Allele origin: germline.

PreventionGenetics, part of Exact Sciences
Classification: Likely benign for CFTR-related condition. Last evaluated: 2022-11-09. Review status: no assertion criteria provided. Collection method: clinical testing. Allele origin: germline. Not counted in ClinVar's aggregate classification.
Comment: This variant is classified as likely benign based on ACMG/AMP sequence variant interpretation guidelines (Richards et al. 2015 PMID: 25741868, with internal and published modifications).

NM_000492.4(CFTR):c.3306A>G (p.Arg1102=)

Genes: CFTR (CF transmembrane conductance regulator; plus strand), CFTR-AS2 (CFTR antisense RNA 2; minus strand), LOC111674472 (DNase I hypersensitive sites in introns 16 and 17a of CFTR; plus strand). Cytogenetic location: 7q31.2.
Variant type: single nucleotide variant.
Coding change: c.3306A>G on transcript NM_000492.4 (MANE Select); coding-DNA position 3306, A replaced by G.
Protein change: p.Arg1102=; no amino-acid change (arginine 1102 retained).
Molecular consequence: synonymous variant.
Genome position (GRCh38, 1-based): chr7:117,611,747, A>G. VCF-style: chr7-117611747-A-G. GRCh37 (hg19) VCF-style: chr7-117251801-A-G.
Identifiers: ClinVar variation 697193 (VCV000697193.31), dbSNP rs746620950, ClinGen allele CA4451422.